The following is an entry in ClinVar:

NM_177438.3(DICER1):c.3151G>C (p.Ala1051Pro)

Gene: DICER1 (dicer 1, ribonuclease III; minus strand). Cytogenetic location: 14q32.13.
Variant type: single nucleotide variant.
Coding change: c.3151G>C on transcript NM_177438.3 (MANE Select); coding-DNA position 3151, G replaced by C.
Protein change: p.Ala1051Pro; replaces alanine 1051 with proline.
Molecular consequence: missense variant.
Genome position (GRCh38, 1-based): chr14:95,105,189, C>G on the plus strand (G>C on the coding strand, the complement: DICER1 is on the minus strand). VCF-style: chr14-95105189-C-G. GRCh37 (hg19) VCF-style: chr14-95571526-C-G.
Other names: c.3151G>C, p.Ala1051Pro (NM_001195573.1, NM_001271282.3, NM_001291628.2 and 1 more transcripts); short protein forms A1051P.
Identifiers: ClinVar variation 655734 (VCV000655734.12), dbSNP rs1595371059, ClinGen allele CA390876746.

ClinVar aggregate classification (germline): Conflicting classifications of pathogenicity. Review status: criteria provided, conflicting classifications (1 of 4 stars). 2 submissions from 2 submitters: Likely pathogenic (1); Uncertain significance (1). Last evaluated 2023-12-21.

Conditions:
DICER1-related tumor predisposition. Also called: DICER1 syndrome; DICER1-related pleuropulmonary blastoma cancer predisposition syndrome. Identifiers: Orphanet 284343, MedGen C3839822, MONDO:0100216.

Submissions (2):

Labcorp Genetics (formerly Invitae), Labcorp
Classification: Likely pathogenic for DICER1-related tumor predisposition. Last evaluated: 2023-12-21. Review status: criteria provided, single submitter. Criteria: Invitae Variant Classification Sherloc (09022015). Collection method: clinical testing. Allele origin: germline.
Comment: This sequence change replaces alanine, which is neutral and non-polar, with proline, which is neutral and non-polar, at codon 1051 of the DICER1 protein (p.Ala1051Pro). This variant is not present in population databases (gnomAD no frequency). This missense change has been observed in individual(s) with clinical features consistent with DICER1 syndrome (Invitae). It has also been observed to segregate with disease in related individuals. ClinVar contains an entry for this variant (Variation ID: 655734). Advanced modeling of protein sequence and biophysical properties (such as structural, functional, and spatial information, amino acid conservation, physicochemical variation, residue mobility, and thermodynamic stability) performed at Invitae indicates that this missense variant is expected to disrupt DICER1 protein function with a positive predictive value of 80%. Algorithms developed to predict the effect of sequence changes on RNA splicing suggest that this variant may create or strengthen a splice site. In summary, the currently available evidence indicates that the variant is pathogenic, but additional data are needed to prove that conclusively. Therefore, this variant has been classified as Likely Pathogenic.

Institute for Genomic Medicine (IGM) Clinical Laboratory, Nationwide Children's Hospital
Classification: Uncertain significance for DICER1-related tumor predisposition. Last evaluated: 2023-11-09. Review status: criteria provided, single submitter. Criteria: ACMG Guidelines, 2015. Collection method: clinical testing. Allele origin: germline.
Comment: This variant is absent from or present at an exceedingly low frequency in gnomAD, a large-scale control population database (ACMG/AMP: PM2).